The following is an entry in ClinVar:

NM_005751.5(AKAP9):c.10100A>C (p.Glu3367Ala)

Gene: AKAP9 (A-kinase anchoring protein 9; plus strand). Cytogenetic location: 7q21.2.
Variant type: single nucleotide variant.
Coding change: c.10100A>C on transcript NM_005751.5 (MANE Select); coding-DNA position 10100, A replaced by C.
Protein change: p.Glu3367Ala; replaces glutamic acid 3367 with alanine.
Molecular consequence: missense variant.
Genome position (GRCh38, 1-based): chr7:92,097,059, A>C. VCF-style: chr7-92097059-A-C. GRCh37 (hg19) VCF-style: chr7-91726373-A-C.
Other names: c.4745A>C, p.Glu1582Ala (NM_001379277.1); c.10076A>C, p.Glu3359Ala (NM_147185.3); short protein forms E1582A, E3367A, E3359A.
Identifiers: ClinVar variation 4034164 (VCV004034164.1).

ClinVar aggregate classification (germline): Uncertain significance (1 of 4 stars; one submission).

Conditions:
Cardiovascular phenotype. Identifiers: MedGen CN230736.

Submission:

Ambry Genetics
Classification: Uncertain significance for Cardiovascular phenotype. Last evaluated: 2025-05-24. Review status: criteria provided, single submitter. Criteria: Ambry Variant Classification Scheme 2023. Collection method: clinical testing. Allele origin: germline.
Comment: The p.E3367A variant (also known as c.10100A>C), located in coding exon 41 of the AKAP9 gene, results from an A to C substitution at nucleotide position 10100. The glutamic acid at codon 3367 is replaced by alanine, an amino acid with dissimilar properties. This amino acid position is conserved. In addition, this alteration is predicted to be tolerated by in silico analysis. Based on the available evidence, the clinical significance of this variant remains unclear.